The following is an entry in ClinVar:

NM_032043.3(BRIP1):c.279G>A (p.Lys93=)

Gene: BRIP1 (BRCA1 interacting DNA helicase 1; minus strand). Cytogenetic location: 17q23.2.
Variant type: single nucleotide variant.
Coding change: c.279G>A on transcript NM_032043.3 (MANE Select); coding-DNA position 279, G replaced by A.
Protein change: p.Lys93=; no amino-acid change (lysine 93 retained).
Molecular consequence: synonymous variant.
Genome position (GRCh38, 1-based): chr17:61,857,158, C>T on the plus strand (G>A on the coding strand, the complement: BRIP1 is on the minus strand). VCF-style: chr17-61857158-C-T. GRCh37 (hg19) VCF-style: chr17-59934519-C-T.
Identifiers: ClinVar variation 3378838 (VCV003378838.2).

ClinVar aggregate classification (germline): Benign/Likely benign. Review status: criteria provided, multiple submitters, no conflicts (2 of 4 stars). 2 submissions from 2 submitters: Benign (1); Likely benign (1). Last evaluated 2025-08-16.

Conditions:
Fanconi anemia complementation group J. Also called: BRIP1-Related Fanconi Anemia. Identifiers: Orphanet 84, MedGen C1836860, MONDO:0012187, OMIM 609054.
Familial cancer of breast. Also called: hereditary breast carcinoma; BREAST CANCER, FAMILIAL; Hereditary breast cancer. Identifiers: Orphanet 227535, MedGen C0346153, MONDO:0016419, OMIM 114480. Disease mechanism: loss of function.

Submissions (2):

Labcorp Genetics (formerly Invitae), Labcorp
Classification: Likely benign for Familial cancer of breast; Fanconi anemia complementation group J. Last evaluated: 2025-08-16. Review status: criteria provided, single submitter. Criteria: Invitae Variant Classification Sherloc (09022015). Collection method: clinical testing. Allele origin: germline.

Myriad Genetics, Inc.
Classification: Benign for Familial cancer of breast. Last evaluated: 2024-08-21. Review status: criteria provided, single submitter. Criteria: Myriad Autosomal Dominant, Autosomal Recessive and X-Linked Classification Criteria (2023). Collection method: clinical testing. Allele origin: unknown.
Comment: This variant is considered benign. This variant is a silent/synonymous amino acid change and it is not expected to impact splicing.